The following is an entry in ClinVar:

ClinVar aggregate classification (germline): Pathogenic (1 of 4 stars; one submission).

Conditions:
Duchenne muscular dystrophy (DMD). Also called: MUSCULAR DYSTROPHY, PSEUDOHYPERTROPHIC PROGRESSIVE, DUCHENNE TYPE; Duchenne Muscular Dystrophy (DMD). Identifiers: Orphanet 98896, MedGen C0013264, MONDO:0010679, OMIM 310200.

Submission:

Labcorp Genetics (formerly Invitae), Labcorp
Classification: Pathogenic for Duchenne muscular dystrophy. Last evaluated: 2018-12-12. Review status: criteria provided, single submitter. Criteria: Invitae Variant Classification Sherloc (09022015). Collection method: clinical testing. Allele origin: germline.
Comment: This variant is a gross duplication of the genomic region encompassing exon 62 of the DMD gene. While the exact position of the duplicated exons cannot be determined from this data, the duplicated copy of this region is likely in tandem and may result in an absent or disrupted protein product. This variant has been reported several individuals affected with DMD-related muscular dystrophy (PMID: 19074751, Invitae). It has also been reported in an affected individual in the Leiden Duchenne muscular dystrophy mutation database (PMID: 16770791). Sub-genic duplications are generally in tandem (PMID: 25640679), and result in an absent or disrupted protein. Loss-of-function variants in DMD are known to be pathogenic (PMID: 16770791, 25007885). For these reasons, this variant has been classified as Pathogenic.

Literature cited by the submitters: PubMed 16770791; PubMed 19074751.

NC_000023.10:g.(?_31341705)_(31341785_?)dup

Gene: DMD (dystrophin; minus strand). Cytogenetic location: Xp21.2.
Variant type: Duplication.
Identifiers: ClinVar variation 660160 (VCV000660160.1).